The following is an entry in ClinVar:

NM_000321.3(RB1):c.2397T>G (p.Ile799Met)

Gene: RB1 (RB transcriptional corepressor 1; plus strand). Cytogenetic location: 13q14.2.
Variant type: single nucleotide variant.
Coding change: c.2397T>G on transcript NM_000321.3 (MANE Select); coding-DNA position 2397, T replaced by G.
Protein change: p.Ile799Met; replaces isoleucine 799 with methionine.
Molecular consequence: missense variant.
Genome position (GRCh38, 1-based): chr13:48,465,276, T>G. VCF-style: chr13-48465276-T-G. GRCh37 (hg19) VCF-style: chr13-49039412-T-G.
Other names: short protein forms I799M.
Identifiers: ClinVar variation 458146 (VCV000458146.14), dbSNP rs749392116, ClinGen allele CA035479.

ClinVar aggregate classification (germline): Conflicting classifications of pathogenicity. Review status: criteria provided, conflicting classifications (1 of 4 stars). 4 submissions from 4 submitters: Uncertain significance (1); Likely benign (3). Last evaluated 2026-06-22.

Conditions:
Hereditary cancer-predisposing syndrome. Also called: Hereditary neoplastic syndrome; Neoplastic Syndromes, Hereditary; Hereditary Cancer Syndrome; Tumor predisposition. Identifiers: Orphanet 140162, MedGen C0027672, MeSH D009386, MONDO:0015356.
Retinoblastoma (RB1). Also called: RETINOBLASTOMA, SOMATIC. Identifiers: Orphanet 790, MedGen C0035335, MeSH D012175, MONDO:0008380, OMIM 180200, HP:0009919. Disease mechanism: loss of function. Inheritance: Both sporadic and heritable forms are tested..

Allele frequency attached by ClinVar (database versions not stated): gnomAD exomes 0.00001 and 0.00003; ExAC 0.00004; TOPMed below 0.00001.
gnomAD v4.1: 13 of 1,612,798 alleles (0.00081%); highest among the groups gnomAD compares: South Asian, 0.0077%; no homozygotes.

Submissions (4):

Myriad Genetics, Inc.
Classification: Likely benign for Retinoblastoma. Last evaluated: 2026-06-22. Review status: criteria provided, single submitter. Criteria: Myriad Autosomal Dominant, Autosomal Recessive and X-Linked Classification Criteria (2023). Collection method: clinical testing. Allele origin: unknown.
Comment: This variant is considered likely benign. This variant has been observed at a population frequency that is significantly greater than expected given the associated disease prevalence and penetrance.

Labcorp Genetics (formerly Invitae), Labcorp
Classification: Likely benign for Retinoblastoma. Last evaluated: 2025-09-03. Review status: criteria provided, single submitter. Criteria: Invitae Variant Classification Sherloc (09022015). Collection method: clinical testing. Allele origin: germline.

GeneDx
Classification: Uncertain significance. Last evaluated: 2023-03-07. Review status: criteria provided, single submitter. Criteria: GeneDx Variant Classification Process June 2021. Collection method: clinical testing. Allele origin: germline. Affected: yes.
Comment: In silico analysis supports that this missense variant does not alter protein structure/function; Has not been previously published as pathogenic or benign to our knowledge; This variant is associated with the following publications: (PMID: 23516486)

Ambry Genetics
Classification: Likely benign for Hereditary cancer-predisposing syndrome. Last evaluated: 2022-06-01. Review status: criteria provided, single submitter. Criteria: Ambry Variant Classification Scheme 2023. Collection method: clinical testing. Allele origin: germline.